The following is an entry in ClinVar:

ClinVar aggregate classification (germline): Uncertain significance (1 of 4 stars; one submission).

Conditions:
Transcobalamin II deficiency (TCN2D). Also called: TC II DEFICIENCY; TCN2 DEFICIENCY; Transcolabamin II deficiency. Identifiers: Orphanet 859, MedGen C0342701, MONDO:0010149, OMIM 275350.

Allele frequency attached by ClinVar (database versions not stated): gnomAD exomes below 0.00001; TOPMed below 0.00001; gnomAD 0.00001.
gnomAD v4.1: 2 of 1,613,958 alleles (0.00012%); highest among the groups gnomAD compares: African/African-American, 0.0027%; no homozygotes.

Submission:

Labcorp Genetics (formerly Invitae), Labcorp
Classification: Uncertain significance for Transcobalamin II deficiency. Last evaluated: 2022-09-27. Review status: criteria provided, single submitter. Criteria: Invitae Variant Classification Sherloc (09022015). Collection method: clinical testing. Allele origin: germline.
Comment: This sequence change replaces leucine, which is neutral and non-polar, with valine, which is neutral and non-polar, at codon 381 of the TCN2 protein (p.Leu381Val). This variant is not present in population databases (gnomAD no frequency). This variant has not been reported in the literature in individuals affected with TCN2-related conditions. ClinVar contains an entry for this variant (Variation ID: 1495531). Advanced modeling of protein sequence and biophysical properties (such as structural, functional, and spatial information, amino acid conservation, physicochemical variation, residue mobility, and thermodynamic stability) performed at Invitae indicates that this missense variant is not expected to disrupt TCN2 protein function. Algorithms developed to predict the effect of sequence changes on RNA splicing suggest that this variant may create or strengthen a splice site. In summary, the available evidence is currently insufficient to determine the role of this variant in disease. Therefore, it has been classified as a Variant of Uncertain Significance.

NM_000355.4(TCN2):c.1141T>G (p.Leu381Val)

Gene: TCN2 (transcobalamin 2; plus strand). Cytogenetic location: 22q12.2.
Variant type: single nucleotide variant.
Coding change: c.1141T>G on transcript NM_000355.4 (MANE Select); coding-DNA position 1141, T replaced by G.
Protein change: p.Leu381Val; replaces leucine 381 with valine.
Molecular consequence: missense variant.
Genome position (GRCh38, 1-based): chr22:30,623,002, T>G. VCF-style: chr22-30623002-T-G. GRCh37 (hg19) VCF-style: chr22-31018989-T-G.
Other names: c.1060T>G, p.Leu354Val (NM_001184726.2); short protein forms L354V, L381V.
Identifiers: ClinVar variation 1495531 (VCV001495531.3), dbSNP rs2087720823, ClinGen allele CA411216650.